The following is an entry in ClinVar:

ClinVar aggregate classification (germline): Uncertain significance. Review status: criteria provided, multiple submitters, no conflicts (2 of 4 stars). 2 submissions from 2 submitters: Uncertain significance (2). Last evaluated 2024-12-21.

Conditions:
Inborn genetic diseases. Identifiers: MedGen C0950123, MeSH D030342.

Allele frequency attached by ClinVar (database versions not stated): gnomAD exomes below 0.00001; TOPMed 0.00001; gnomAD 0.00002.
gnomAD v4.1: 6 of 1,613,928 alleles (0.00037%); highest among the groups gnomAD compares: Non-Finnish European, 0.00042%; no homozygotes.

Submissions (2):

Ambry Genetics
Classification: Uncertain significance for Inborn genetic diseases. Last evaluated: 2024-12-21. Review status: criteria provided, single submitter. Criteria: Ambry Variant Classification Scheme 2023. Collection method: clinical testing. Allele origin: germline.

Labcorp Genetics (formerly Invitae), Labcorp
Classification: Uncertain significance. Last evaluated: 2023-05-22. Review status: criteria provided, single submitter. Criteria: Invitae Variant Classification Sherloc (09022015). Collection method: clinical testing. Allele origin: germline.
Comment: This sequence change replaces isoleucine, which is neutral and non-polar, with asparagine, which is neutral and polar, at codon 1007 of the FLNB protein (p.Ile1007Asn). In summary, the available evidence is currently insufficient to determine the role of this variant in disease. Therefore, it has been classified as a Variant of Uncertain Significance. Advanced modeling of protein sequence and biophysical properties (such as structural, functional, and spatial information, amino acid conservation, physicochemical variation, residue mobility, and thermodynamic stability) performed at Invitae indicates that this missense variant is not expected to disrupt FLNB protein function. ClinVar contains an entry for this variant (Variation ID: 1969722). This variant has not been reported in the literature in individuals affected with FLNB-related conditions. This variant is present in population databases (rs533382927, gnomAD 0.002%).

NM_001457.4(FLNB):c.3020T>A (p.Ile1007Asn)

Gene: FLNB (filamin B; plus strand). Cytogenetic location: 3p14.3.
Variant type: single nucleotide variant.
Coding change: c.3020T>A on transcript NM_001457.4 (MANE Select); coding-DNA position 3020, T replaced by A.
Protein change: p.Ile1007Asn; replaces isoleucine 1007 with asparagine.
Molecular consequence: missense variant.
Genome position (GRCh38, 1-based): chr3:58,121,397, T>A. VCF-style: chr3-58121397-T-A. GRCh37 (hg19) VCF-style: chr3-58107124-T-A.
Other names: c.3020T>A, p.Ile1007Asn (NM_001164317.2, NM_001164318.2, NM_001164319.2); c.3020T>A (NM_001457.3); short protein forms I1007N.
Identifiers: ClinVar variation 1969722 (VCV001969722.6), dbSNP rs533382927, ClinGen allele CA75445683.